The following is an entry in ClinVar:

ClinVar aggregate classification (germline): Uncertain significance. Review status: criteria provided, multiple submitters, no conflicts (2 of 4 stars). 3 submissions from 3 submitters: Uncertain significance (3). Last evaluated 2021-07-14.

Conditions:
Inborn genetic diseases. Identifiers: MedGen C0950123, MeSH D030342.
Autosomal dominant nocturnal frontal lobe epilepsy 4. Also called: EPILEPSY, FAMILIAL, WITH NOCTURNAL WANDERING AND ICTAL FEAR; CHRNA2-Related Nocturnal Frontal Lobe Epilepsy, Autosomal Dominant. Identifiers: Orphanet 98784, MedGen C1835905, MONDO:0012474, OMIM 610353.

Submissions (3):

Ambry Genetics
Classification: Uncertain significance for Inborn genetic diseases. Last evaluated: 2021-07-14. Review status: criteria provided, single submitter. Criteria: Ambry Variant Classification Scheme 2023. Collection method: clinical testing. Allele origin: germline.

Illumina Laboratory Services, Illumina
Classification: Uncertain significance for Autosomal dominant nocturnal frontal lobe epilepsy 4. Last evaluated: 2018-01-13. Review status: criteria provided, single submitter. Criteria: ICSL Variant Classification Criteria 13 December 2019. Collection method: clinical testing. Allele origin: germline.

GeneDx
Classification: Uncertain significance. Last evaluated: 2014-03-06. Review status: criteria provided, single submitter. Criteria: GeneDx Variant Classification (06012015). Collection method: clinical testing. Allele origin: germline. Affected: yes.
Comment: p.Met362Leu (ATG>TTG): c.1084 A>T in exon 6 of the CHRNA2 gene (NM_000742.3). A variant of unknown significance has been identified in the CHRNA2 gene. The M362L variant has not been published as a mutation, nor has it been reported as a benign polymorphism to our knowledge. It was not observed in approximately 6,500 individuals of European and African American ancestry in the NHLBI Exome Sequencing Project, indicating it is not a common benign variant in these populations. This substitution occurs at a position that is conserved across species. In silico analysis predicts this variant is probably damaging to the protein structure/function. However, the M362L variant is a conservative amino acid substitution, which is not likely to impact secondary protein structure as these residues share similar properties. Further, the M362L substitution does not occur within the transmembrane region of the protein, where the vast majority of pathogenic missense mutations have been identified in association with epilepsy (Steinlein et al., 2010). Therefore, based on the currently available information, it is unclear whether this variant is a pathogenic mutation or a rare benign variant. The variant is found in EPILEPSY panel(s).

NM_000742.4(CHRNA2):c.1084A>T (p.Met362Leu)

Gene: CHRNA2 (cholinergic receptor nicotinic alpha 2 subunit; minus strand). Cytogenetic location: 8p21.2.
Variant type: single nucleotide variant.
Coding change: c.1084A>T on transcript NM_000742.4 (MANE Select); coding-DNA position 1084, A replaced by T.
Protein change: p.Met362Leu; replaces methionine 362 with leucine.
Molecular consequence: missense variant.
Genome position (GRCh38, 1-based): chr8:27,463,359, T>A on the plus strand (A>T on the coding strand, the complement: CHRNA2 is on the minus strand). VCF-style: chr8-27463359-T-A. GRCh37 (hg19) VCF-style: chr8-27320876-T-A.
Other names: p.M362L:ATG>TTG; c.1039A>T, p.Met347Leu (NM_001282455.2); c.607A>T, p.Met203Leu (NM_001347705.2, NM_001347706.2); c.490A>T, p.Met164Leu (NM_001347707.2, NM_001347708.2); short protein forms M362L, M203L, M347L, M164L.
Identifiers: ClinVar variation 204969 (VCV000204969.8), dbSNP rs796052301, ClinGen allele CA313460.